The following is an entry in ClinVar:

NM_006269.2(RP1):c.3610G>A (p.Val1204Ile)

Gene: RP1 (RP1 axonemal microtubule associated; plus strand). Cytogenetic location: 8q12.1.
Variant type: single nucleotide variant.
Coding change: c.3610G>A on transcript NM_006269.2 (MANE Select); coding-DNA position 3610, G replaced by A.
Protein change: p.Val1204Ile; replaces valine 1204 with isoleucine.
Molecular consequence: missense variant. On other transcripts: intron variant (1).
Genome position (GRCh38, 1-based): chr8:54,627,492, G>A. VCF-style: chr8-54627492-G-A. GRCh37 (hg19) VCF-style: chr8-55540052-G-A.
Other names: c.787+5204G>A (NM_001375654.1); short protein forms V1204I.
Identifiers: ClinVar variation 842758 (VCV000842758.11), dbSNP rs1806099311, ClinGen allele CA370996836.
Genomic context (GRCh38, chr8:54,627,492, plus strand): 5'-GCCAATTTAGTGGAGTCAACTACAAGCCACTTTGGACTCAGTGAGAAAGAACAAGACATG[G>A]TTCCAATAGATCTTTCTGCAAATTGTTCCACGGTCAACATTCAGAGTGTTCCTAAGTGCA-3'
Protein context (NP_006260.1, residues 1194-1214): FGLSEKEQDM[Val1204Ile]PIDLSANCST

ClinVar aggregate classification (germline): Uncertain significance (1 of 4 stars; one submission).

Submission:

Labcorp Genetics (formerly Invitae), Labcorp
Classification: Uncertain significance. Last evaluated: 2022-02-25. Review status: criteria provided, single submitter. Criteria: Invitae Variant Classification Sherloc (09022015). Collection method: clinical testing. Allele origin: germline.
Comment: In summary, the available evidence is currently insufficient to determine the role of this variant in disease. Therefore, it has been classified as a Variant of Uncertain Significance. Algorithms developed to predict the effect of missense changes on protein structure and function (SIFT, PolyPhen-2, Align-GVGD) all suggest that this variant is likely to be tolerated. ClinVar contains an entry for this variant (Variation ID: 842758). This variant has not been reported in the literature in individuals affected with RP1-related conditions. This variant is not present in population databases (gnomAD no frequency). This sequence change replaces valine, which is neutral and non-polar, with isoleucine, which is neutral and non-polar, at codon 1204 of the RP1 protein (p.Val1204Ile).